The following is an entry in ClinVar:

ClinVar aggregate classification (germline): Likely benign. Review status: criteria provided, multiple submitters, no conflicts (2 of 4 stars). 2 submissions from 2 submitters: Likely benign (2). Last evaluated 2025-02-01.

Conditions:
Inborn genetic diseases. Identifiers: MedGen C0950123, MeSH D030342.

gnomAD v4.1: 117 of 1,613,652 alleles (0.0073%); highest among the groups gnomAD compares: South Asian, 0.03%; 1 homozygote.

Submissions (2):

CeGaT Center for Human Genetics Tuebingen
Classification: Likely benign. Last evaluated: 2025-02-01. Review status: criteria provided, single submitter. Criteria: CeGaT Center For Human Genetics Tuebingen Variant Classification Criteria Version 2. Collection method: clinical testing. Allele origin: germline. Affected: yes. Observed: 1 variant allele.
Comment: CTNND2: PP3, BS2

Ambry Genetics
Classification: Likely benign for Inborn genetic diseases. Last evaluated: 2024-04-24. Review status: criteria provided, single submitter. Criteria: Ambry Variant Classification Scheme 2023. Collection method: clinical testing. Allele origin: germline.

NM_001332.4(CTNND2):c.1279C>T (p.Arg427Cys)

Gene: CTNND2 (catenin delta 2; minus strand). Cytogenetic location: 5p15.2.
Variant type: single nucleotide variant.
Coding change: c.1279C>T on transcript NM_001332.4 (MANE Select); coding-DNA position 1279, C replaced by T.
Protein change: p.Arg427Cys; replaces arginine 427 with cysteine.
Molecular consequence: missense variant. On other transcripts: 5 prime UTR variant (1), non-coding transcript variant (1).
Genome position (GRCh38, 1-based): chr5:11,364,789, G>A on the plus strand (C>T on the coding strand, the complement: CTNND2 is on the minus strand). VCF-style: chr5-11364789-G-A. GRCh37 (hg19) VCF-style: chr5-11364901-G-A.
Other names: c.1006C>T, p.Arg336Cys (NM_001288715.1); c.268C>T, p.Arg90Cys (NM_001288716.1, NM_001364128.2); c.-21C>T (NM_001288717.2); short protein forms R427C, R336C, R90C.
Identifiers: ClinVar variation 3270151 (VCV003270151.14).